The following is an entry in ClinVar:

ClinVar aggregate classification (germline): Uncertain significance. Review status: criteria provided, multiple submitters, no conflicts (2 of 4 stars). 3 submissions from 3 submitters: Uncertain significance (3). Last evaluated 2026-08-13.

Conditions:
RAX2-related disorder. Also called: RAX2-related disorders; RAX2-related condition.
Macular degeneration. Also called: Degenerative disorder of macula. Identifiers: MedGen C0024437, MONDO:0003004, HP:0000608.

Allele frequency attached by ClinVar (database versions not stated): TOPMed below 0.00001; gnomAD exomes 0.00002 and 0.00006; ExAC 0.00009.
gnomAD v4.1: 32 of 1,535,382 alleles (0.0021%); highest among the groups gnomAD compares: South Asian, 0.033%; no homozygotes.

Submissions (3):

PreventionGenetics, part of Exact Sciences
Classification: Uncertain significance for RAX2-related condition. Last evaluated: 2026-08-13. Review status: criteria provided, single submitter. Criteria: ACMG Guidelines, 2015. Collection method: clinical testing. Allele origin: germline.
Comment: The RAX2 c.514G>A variant is predicted to result in the amino acid substitution p.Glu172Lys. To our knowledge, this variant has not been reported in the literature. This variant is present in 0.027% of alleles in individuals of South Asian descent in gnomAD. At this time, the clinical significance of this variant is uncertain due to the absence of conclusive functional and genetic evidence.

Labcorp Genetics (formerly Invitae), Labcorp
Classification: Uncertain significance. Last evaluated: 2025-04-01. Review status: criteria provided, single submitter. Criteria: Invitae Variant Classification Sherloc (09022015). Collection method: clinical testing. Allele origin: germline.
Comment: This sequence change replaces glutamic acid, which is acidic and polar, with lysine, which is basic and polar, at codon 172 of the RAX2 protein (p.Glu172Lys). This variant is present in population databases (rs773857866, gnomAD 0.03%). This variant has not been reported in the literature in individuals affected with RAX2-related conditions. ClinVar contains an entry for this variant (Variation ID: 1044398). An algorithm developed to predict the effect of missense changes on protein structure and function (PolyPhen-2) suggests that this variant is likely to be disruptive. In summary, the available evidence is currently insufficient to determine the role of this variant in disease. Therefore, it has been classified as a Variant of Uncertain Significance.

Cambridge Genomics Laboratory, East Genomic Laboratory Hub, NHS Genomic Medicine Service
Classification: Uncertain significance for Macular degeneration. Last evaluated: 2019-05-20. Review status: criteria provided, single submitter. Criteria: ACGS Best Practice Guidelines for Variant Classification in Rare Disease 2020. Collection method: clinical testing. Allele origin: germline. Affected: yes. Observed: 1 variant allele.

NM_001319074.4(RAX2):c.514G>A (p.Glu172Lys)

Gene: RAX2 (retina and anterior neural fold homeobox 2; minus strand). Cytogenetic location: 19p13.3.
Variant type: single nucleotide variant.
Coding change: c.514G>A on transcript NM_001319074.4 (MANE Select); coding-DNA position 514, G replaced by A.
Protein change: p.Glu172Lys; replaces glutamic acid 172 with lysine.
Molecular consequence: missense variant.
Genome position (GRCh38, 1-based): chr19:3,770,662, C>T on the plus strand (G>A on the coding strand, the complement: RAX2 is on the minus strand). VCF-style: chr19-3770662-C-T. GRCh37 (hg19) VCF-style: chr19-3770660-C-T.
Other names: c.514G>A, p.Glu172Lys (NM_032753.4); c.514G>A (NM_032753.3); short protein forms E172K.
Identifiers: ClinVar variation 1044398 (VCV001044398.10), dbSNP rs773857866, ClinGen allele CA9085028.